The following is an entry in ClinVar:

ClinVar aggregate classification (germline): Likely benign. Review status: criteria provided, multiple submitters, no conflicts (2 of 4 stars). 5 submissions from 5 submitters: Likely benign (4). 1 of the submissions does not count toward it. Last evaluated 2026-02-01.

Conditions:
CENPE-related disorder. Also called: CENPE-related condition.

Allele frequency attached by ClinVar (database versions not stated): gnomAD exomes 0.00012; gnomAD 0.00029 and 0.00030; TOPMed 0.00046; 1000 Genomes Project 0.00080; 1000 Genomes Project 30x 0.00125.
gnomAD v4.1: 230 of 1,591,830 alleles (0.014%); highest among the groups gnomAD compares: Admixed American, 0.19%; no homozygotes.

Submissions (5):

CeGaT Center for Human Genetics Tuebingen
Classification: Likely benign. Last evaluated: 2026-02-01. Review status: criteria provided, single submitter. Criteria: CeGaT Center For Human Genetics Tuebingen Variant Classification Criteria Version 2. Collection method: clinical testing. Allele origin: germline. Affected: yes. Observed: 1 variant allele.
Comment: CENPE: BP4, BP7

Blueprint Genetics
Classification: Likely benign. Last evaluated: 2024-11-05. Review status: criteria provided, single submitter. Criteria: ACMG Guidelines, 2015. Collection method: clinical testing. Allele origin: germline.

Labcorp Genetics (formerly Invitae), Labcorp
Classification: Likely benign. Last evaluated: 2019-12-31. Review status: criteria provided, single submitter. Criteria: Invitae Variant Classification Sherloc (09022015). Collection method: clinical testing. Allele origin: germline.

Genetic Services Laboratory, University of Chicago
Classification: Likely benign. Last evaluated: 2017-04-12. Review status: criteria provided, single submitter. Criteria: ACMG Guidelines, 2015. Collection method: clinical testing. Allele origin: germline. Affected: no.

PreventionGenetics, part of Exact Sciences
Classification: Likely benign for CENPE-related condition. Last evaluated: 2019-05-01. Review status: no assertion criteria provided. Collection method: clinical testing. Allele origin: germline. Not counted in ClinVar's aggregate classification.
Comment: This variant is classified as likely benign based on ACMG/AMP sequence variant interpretation guidelines (Richards et al. 2015 PMID: 25741868, with internal and published modifications).

NM_001813.3(CENPE):c.435C>T (p.Gly145=)

Gene: CENPE (centromere protein E; minus strand). Cytogenetic location: 4q24.
Variant type: single nucleotide variant.
Coding change: c.435C>T on transcript NM_001813.3 (MANE Select); coding-DNA position 435, C replaced by T.
Protein change: p.Gly145=; no amino-acid change (glycine 145 retained).
Molecular consequence: synonymous variant.
Genome position (GRCh38, 1-based): chr4:103,195,156, G>A on the plus strand (C>T on the coding strand, the complement: CENPE is on the minus strand). VCF-style: chr4-103195156-G-A. GRCh37 (hg19) VCF-style: chr4-104116313-G-A.
Other names: c.435C>T, p.Gly145= (NM_001286734.2).
Identifiers: ClinVar variation 434700 (VCV000434700.17), dbSNP rs187538280, ClinGen allele CA3030760.